The following is an entry in ClinVar:

NM_022168.4(IFIH1):c.2002_2003insGGCCGGGCGCGGTGGCTCACGCCTGTAATCCCAGCACTTTGGGAGGCCGAGGCGGGCGGATCACGAGGTCANNNNNNNNNNAAAAAAAAAAAAAAAAAAAAAAAGAAACCTTTGA (p.Lys668fs)

Gene: IFIH1 (interferon induced with helicase C domain 1; minus strand). Cytogenetic location: 2q24.2.
Variant type: Insertion.
Coding change: c.2002_2003insGGCCGGGCGCGGTGGCTCACGCCTGTAATCCCAGCACTTTGGGAGGCCGAGGCGGGCGGATCACGAGGTCANNNNNNNNNNAAAAAAAAAAAAAAAAAAAAAAAGAAACCTTTGA on transcript NM_022168.4 (MANE Select); coding-DNA positions 2002 to 2003, GGCCGGGCGCGGTGGCTCACGCCTGTAATCCCAGCACTTTGGGAGGCCGAGGCGGGCGGATCACGAGGTCANNNNNNNNNNAAAAAAAAAAAAAAAAAAAAAAAGAAACCTTTGA inserted.
Protein change: p.Lys668fs; shifts the reading frame from lysine 668.
Molecular consequence: frameshift variant.
Genome position: GRCh38: chr2:162,277,470-162,277,471. GRCh37 (hg19): chr2:163,133,980-163,133,981.
Other names: short protein forms K668fs.
Identifiers: ClinVar variation 3759410 (VCV003759410.2).

ClinVar aggregate classification (germline): Uncertain significance (1 of 4 stars; one submission).

Conditions:
Singleton-Merten syndrome 1 (SGMRT1). Also called: Widened medullary cavities of bone, aortic calcification, abnormal dentition, and muscular weakness; Syndrome of widened medullary cavities of the metacarpals and phalanges, aortic calcification and abnormal dentition. Identifiers: Orphanet 85191, MedGen C4225427, MONDO:0024535, OMIM 182250.
Aicardi-Goutieres syndrome 7 (AGS7). Identifiers: Orphanet 51, MedGen C3888244, MONDO:0014367, OMIM 615846.

Submission:

Labcorp Genetics (formerly Invitae), Labcorp
Classification: Uncertain significance for Aicardi-Goutieres syndrome 7; Singleton-Merten syndrome 1. Last evaluated: 2024-10-09. Review status: criteria provided, single submitter. Criteria: Invitae Variant Classification Sherloc (09022015). Collection method: clinical testing. Allele origin: germline.
Comment: This sequence change inserts a large fragment of DNA, likely a transposable element, in exon 10 of the IFIH1 gene (c.2002_2003ins?), causing a frameshift at codon 668 (p.Lys668fs). The exact size and sequence of the insertion cannot be determined by the current assay. However, the insertion is expected to result in an absent or disrupted protein product. This variant is not present in population databases (gnomAD no frequency). This variant has not been reported in the literature in individuals affected with IFIH1-related conditions. Retrotransposon insertions including LINE1 (L1), Alu, and SVA (SINE-VNTR-Alu) have been reported to disrupt protein function (PMID: 19763152, 20307669, 22406018). However the effect of this particular variant is unknown. In summary, the available evidence is currently insufficient to determine the role of this variant in disease. Therefore, it has been classified as a Variant of Uncertain Significance.

Literature cited by the submitters: PubMed 19763152; PubMed 20307669; PubMed 22406018.